The following is an entry in ClinVar:

NM_001754.5(RUNX1):c.101C>A (p.Ala34Asp)

Gene: RUNX1 (RUNX family transcription factor 1; minus strand). Cytogenetic location: 21q22.12.
Variant type: single nucleotide variant.
Coding change: c.101C>A on transcript NM_001754.5 (MANE Select); coding-DNA position 101, C replaced by A.
Protein change: p.Ala34Asp; replaces alanine 34 with aspartic acid.
Molecular consequence: missense variant.
Genome position (GRCh38, 1-based): chr21:34,887,093, G>T on the plus strand (C>A on the coding strand, the complement: RUNX1 is on the minus strand). VCF-style: chr21-34887093-G-T. GRCh37 (hg19) VCF-style: chr21-36259390-G-T.
Other names: NM_001754.5(RUNX1):c.101C>A; p.Ala34Asp; c.20C>A, p.Ala7Asp (NM_001001890.3, NM_001122607.2); c.101C>A (NM_001754.4); short protein forms A34D, A7D.
Identifiers: ClinVar variation 1467839 (VCV001467839.10), dbSNP rs2058006183, ClinGen allele CA410204317.

ClinVar aggregate classification (germline): Uncertain significance. Review status: reviewed by expert panel (3 of 4 stars). 3 submissions from 3 submitters: Uncertain significance (1). 2 of the submissions do not count toward it. Last evaluated 2024-10-29.

Conditions:
Hereditary thrombocytopenia and hematological cancer predisposition syndrome associated with RUNX1. Also called: Familial Platelet Disorder with Propensity to Acute Myelogenous Leukemia; Familial thrombocytopenia with propensity to acute myelogenous leukemia; RUNX1 Familial Platelet Disorder with Associated Myeloid Malignancies; PLATELET DISORDER, ASPIRIN-LIKE. Identifiers: Orphanet 71290, MedGen C1832388, MeSH C563324, MONDO:0100083, OMIM 601399.
Hereditary thrombocytopenia and hematologic cancer predisposition syndrome. Identifiers: Orphanet 71290, MedGen CN281654, MONDO:0011071.
Inborn genetic diseases. Identifiers: MedGen C0950123, MeSH D030342.

Submissions (3):

ClinGen Myeloid Malignancy Variant Curation Expert Panel
Classification: Uncertain significance for Hereditary thrombocytopenia and hematologic cancer predisposition syndrome. Last evaluated: 2024-10-29. Review status: reviewed by expert panel. Criteria: ClinGen MyeloMalig ACMG Specifications v2. Collection method: curation. Allele origin: germline. Inheritance: Autosomal dominant inheritance.
Comment: NM_001754.5(RUNX1):c.101C>A (p.Ala34Asp) is a missense variant which has a REVEL score of 0.456, which is less than 0.50, and a SpliceAI score of ≤ 0.20. This variant is completely absent from gnomAD v2.1.1 with at least 20x coverage for RUNX1 (PM2_supporting). In summary, the clinical significance of this variant is uncertain. ACMG/AMP criteria applied, as specified by the Myeloid Malignancy Variant Curation Expert Panel for RUNX1: PM2_supporting, BP4.

Ambry Genetics
Classification: Uncertain significance for Inborn genetic diseases. Last evaluated: 2026-09-02. Review status: criteria provided, single submitter. Criteria: Ambry Variant Classification Scheme 2023. Collection method: clinical testing. Allele origin: germline. Not counted in ClinVar's aggregate classification.
Comment: The p.A34D variant (also known as c.101C>A), located in coding exon 3 of the RUNX1 gene, results from a C to A substitution at nucleotide position 101. The alanine at codon 34 is replaced by aspartic acid, an amino acid with dissimilar properties. This amino acid position is not well conserved in available vertebrate species. In addition, the in silico prediction for this alteration is inconclusive. Based on the available evidence, the clinical significance of this variant remains unclear.

Labcorp Genetics (formerly Invitae), Labcorp
Classification: Uncertain significance for Hereditary thrombocytopenia and hematological cancer predisposition syndrome associated with RUNX1. Last evaluated: 2021-01-11. Review status: criteria provided, single submitter. Criteria: Invitae Variant Classification Sherloc (09022015). Collection method: clinical testing. Allele origin: germline. Not counted in ClinVar's aggregate classification.
Comment: This sequence change replaces alanine with aspartic acid at codon 34 of the RUNX1 protein (p.Ala34Asp). The alanine residue is weakly conserved and there is a moderate physicochemical difference between alanine and aspartic acid. This variant is not present in population databases (ExAC no frequency). In summary, the available evidence is currently insufficient to determine the role of this variant in disease. Therefore, it has been classified as a Variant of Uncertain Significance. Algorithms developed to predict the effect of missense changes on protein structure and function are either unavailable or do not agree on the potential impact of this missense change (SIFT: "Deleterious"; PolyPhen-2: "Benign"; Align-GVGD: "Class C0"). This variant has not been reported in the literature in individuals with RUNX1-related conditions.